The following is an entry in ClinVar:

ClinVar aggregate classification (germline): Conflicting classifications of pathogenicity. Review status: criteria provided, conflicting classifications (1 of 4 stars). 3 submissions from 3 submitters: Likely pathogenic (1); Uncertain significance (2). Last evaluated 2024-05-13.

Conditions:
Inborn genetic diseases. Identifiers: MedGen C0950123, MeSH D030342.

Allele frequency attached by ClinVar (database versions not stated): gnomAD exomes below 0.00001 and 0.00001; ExAC 0.00001; gnomAD 0.00001 and 0.00002; 1000 Genomes Project 0.00020; 1000 Genomes Project 30x 0.00031.
gnomAD v4.1: 13 of 1,614,034 alleles (0.00081%); highest among the groups gnomAD compares: Admixed American, 0.005%; no homozygotes.

Submissions (3):

Ambry Genetics
Classification: Uncertain significance for Inborn genetic diseases. Last evaluated: 2024-05-13. Review status: criteria provided, single submitter. Criteria: Ambry Variant Classification Scheme 2023. Collection method: clinical testing. Allele origin: germline.

GeneDx
Classification: Likely pathogenic. Last evaluated: 2024-01-22. Review status: criteria provided, single submitter. Criteria: GeneDx Variant Classification Process June 2021. Collection method: clinical testing. Allele origin: germline. Affected: yes.
Comment: Not observed at a significant frequency in large population cohorts (gnomAD); In silico analysis supports that this missense variant has a deleterious effect on protein structure/function; Has not been previously published as pathogenic or benign to our knowledge

Labcorp Genetics (formerly Invitae), Labcorp
Classification: Uncertain significance. Last evaluated: 2022-07-12. Review status: criteria provided, single submitter. Criteria: Invitae Variant Classification Sherloc (09022015). Collection method: clinical testing. Allele origin: germline.
Comment: This sequence change replaces arginine, which is basic and polar, with glutamine, which is neutral and polar, at codon 71 of the SH3PXD2B protein (p.Arg71Gln). This variant is present in population databases (rs200536170, gnomAD 0.003%). This variant has not been reported in the literature in individuals affected with SH3PXD2B-related conditions. ClinVar contains an entry for this variant (Variation ID: 426431). Algorithms developed to predict the effect of missense changes on protein structure and function are either unavailable or do not agree on the potential impact of this missense change (SIFT: "Deleterious"; PolyPhen-2: "Probably Damaging"; Align-GVGD: "Class C0"). In summary, the available evidence is currently insufficient to determine the role of this variant in disease. Therefore, it has been classified as a Variant of Uncertain Significance.

NM_001017995.3(SH3PXD2B):c.212G>A (p.Arg71Gln)

Gene: SH3PXD2B (SH3 and PX domains 2B; minus strand). Cytogenetic location: 5q35.1.
Variant type: single nucleotide variant.
Coding change: c.212G>A on transcript NM_001017995.3 (MANE Select); coding-DNA position 212, G replaced by A.
Protein change: p.Arg71Gln; replaces arginine 71 with glutamine.
Molecular consequence: missense variant.
Genome position (GRCh38, 1-based): chr5:172,406,297, C>T on the plus strand (G>A on the coding strand, the complement: SH3PXD2B is on the minus strand). VCF-style: chr5-172406297-C-T. GRCh37 (hg19) VCF-style: chr5-171833301-C-T.
Other names: c.212G>A, p.Arg71Gln (NM_001308175.2); short protein forms R71Q.
Identifiers: ClinVar variation 426431 (VCV000426431.13), dbSNP rs200536170, ClinGen allele CA3561645.